The following is an entry in ClinVar:

ClinVar aggregate classification (germline): Uncertain significance (1 of 4 stars; one submission).

gnomAD v4.1: 1 of 1,614,036 alleles (0.000062%); highest among the groups gnomAD compares: South Asian, 0.0011%; no homozygotes.

Submission:

Labcorp Genetics (formerly Invitae), Labcorp
Classification: Uncertain significance. Last evaluated: 2024-04-30. Review status: criteria provided, single submitter. Criteria: Invitae Variant Classification Sherloc (09022015). Collection method: clinical testing. Allele origin: germline.
Comment: This sequence change replaces isoleucine, which is neutral and non-polar, with threonine, which is neutral and polar, at codon 292 of the CDH2 protein (p.Ile292Thr). This variant is not present in population databases (gnomAD no frequency). This variant has not been reported in the literature in individuals affected with CDH2-related conditions. ClinVar contains an entry for this variant (Variation ID: 2115792). An algorithm developed to predict the effect of missense changes on protein structure and function (PolyPhen-2) suggests that this variant is likely to be tolerated. In summary, the available evidence is currently insufficient to determine the role of this variant in disease. Therefore, it has been classified as a Variant of Uncertain Significance.

NM_001792.5(CDH2):c.875T>C (p.Ile292Thr)

Gene: CDH2 (cadherin 2; minus strand). Cytogenetic location: 18q12.1.
Variant type: single nucleotide variant.
Coding change: c.875T>C on transcript NM_001792.5 (MANE Select); coding-DNA position 875, T replaced by C.
Protein change: p.Ile292Thr; replaces isoleucine 292 with threonine.
Molecular consequence: missense variant.
Genome position (GRCh38, 1-based): chr18:28,003,142, A>G on the plus strand (T>C on the coding strand, the complement: CDH2 is on the minus strand). VCF-style: chr18-28003142-A-G. GRCh37 (hg19) VCF-style: chr18-25583106-A-G.
Other names: c.782T>C, p.Ile261Thr (NM_001308176.2); short protein forms I261T, I292T.
Identifiers: ClinVar variation 2115792 (VCV002115792.4), dbSNP rs2012819293, ClinGen allele CA402242973.